The following is an entry in ClinVar:

ClinVar aggregate classification (germline): Uncertain significance (1 of 4 stars; one submission).

Conditions:
Hypertrophic cardiomyopathy 26. Also called: Cardiomyopathy, familial hypertrophic, 26. Identifiers: Orphanet 75249, MedGen C4310749, MONDO:0014883, OMIM 617047.
Myofibrillar myopathy 5. Also called: Filaminopathy (type); FILAMINOPATHY, AUTOSOMAL DOMINANT. Identifiers: Orphanet 171445, MedGen C1836050, MONDO:0012289, OMIM 609524.
Distal myopathy with posterior leg and anterior hand involvement. Also called: WILLIAMS DISTAL MYOPATHY. Identifiers: Orphanet 63273, MedGen C3279722, MONDO:0013550, OMIM 614065.

gnomAD v4.1: 1 of 1,613,840 alleles (0.000062%); highest among the groups gnomAD compares: Non-Finnish European, 0.000085%; no homozygotes.

Submission:

Labcorp Genetics (formerly Invitae), Labcorp
Classification: Uncertain significance for Distal myopathy with posterior leg and anterior hand involvement; Myofibrillar myopathy 5; Hypertrophic cardiomyopathy 26. Last evaluated: 2024-07-06. Review status: criteria provided, single submitter. Criteria: Invitae Variant Classification Sherloc (09022015). Collection method: clinical testing. Allele origin: germline.
Comment: This sequence change replaces alanine, which is neutral and non-polar, with threonine, which is neutral and polar, at codon 1186 of the FLNC protein (p.Ala1186Thr). This variant is not present in population databases (gnomAD no frequency). This variant has not been reported in the literature in individuals affected with FLNC-related conditions. Advanced modeling of protein sequence and biophysical properties (such as structural, functional, and spatial information, amino acid conservation, physicochemical variation, residue mobility, and thermodynamic stability) has been performed at Invitae for this missense variant, however the output from this modeling did not meet the statistical confidence thresholds required to predict the impact of this variant on FLNC protein function. This variant disrupts the p.Ala1186 amino acid residue in FLNC. Other variant(s) that disrupt this residue have been determined to be pathogenic (PMID: 21520333, 26436962; Invitae). This suggests that this residue is clinically significant, and that variants that disrupt this residue are likely to be disease-causing. In summary, the available evidence is currently insufficient to determine the role of this variant in disease. Therefore, it has been classified as a Variant of Uncertain Significance.

Literature cited by the submitters: PubMed 21520333; PubMed 26436962.

NM_001458.5(FLNC):c.3556G>A (p.Ala1186Thr)

Gene: FLNC (filamin C; plus strand). Cytogenetic location: 7q32.1.
Variant type: single nucleotide variant.
Coding change: c.3556G>A on transcript NM_001458.5 (MANE Select); coding-DNA position 3556, G replaced by A.
Protein change: p.Ala1186Thr; replaces alanine 1186 with threonine.
Molecular consequence: missense variant.
Genome position (GRCh38, 1-based): chr7:128,845,021, G>A. VCF-style: chr7-128845021-G-A. GRCh37 (hg19) VCF-style: chr7-128485075-G-A.
Other names: c.3556G>A, p.Ala1186Thr (NM_001127487.2); short protein forms A1186T.
Identifiers: ClinVar variation 3748760 (VCV003748760.2).